The following is an entry in ClinVar:

ClinVar aggregate classification (germline): Uncertain significance (1 of 4 stars; one submission).

Conditions:
Spastic paraplegia. Identifiers: MedGen C0037772, HP:0001258.

gnomAD v4.1: 4 of 1,613,678 alleles (0.00025%); highest among the groups gnomAD compares: Non-Finnish European, 0.00034%; no homozygotes.

Submission:

Labcorp Genetics (formerly Invitae), Labcorp
Classification: Uncertain significance for Spastic paraplegia. Last evaluated: 2021-12-17. Review status: criteria provided, single submitter. Criteria: Invitae Variant Classification Sherloc (09022015). Collection method: clinical testing. Allele origin: germline.
Comment: This sequence change replaces arginine, which is basic and polar, with histidine, which is basic and polar, at codon 3048 of the SACS protein (p.Arg3048His). This variant is present in population databases (rs553929593, gnomAD 0.002%). This variant has not been reported in the literature in individuals affected with SACS-related conditions. Advanced modeling of protein sequence and biophysical properties (such as structural, functional, and spatial information, amino acid conservation, physicochemical variation, residue mobility, and thermodynamic stability) performed at Invitae indicates that this missense variant is not expected to disrupt SACS protein function. In summary, the available evidence is currently insufficient to determine the role of this variant in disease. Therefore, it has been classified as a Variant of Uncertain Significance.

NM_014363.6(SACS):c.9143G>A (p.Arg3048His)

Gene: SACS (sacsin molecular chaperone; minus strand). Cytogenetic location: 13q12.12.
Variant type: single nucleotide variant.
Coding change: c.9143G>A on transcript NM_014363.6 (MANE Select); coding-DNA position 9143, G replaced by A.
Protein change: p.Arg3048His; replaces arginine 3048 with histidine.
Molecular consequence: missense variant.
Genome position (GRCh38, 1-based): chr13:23,334,733, C>T on the plus strand (G>A on the coding strand, the complement: SACS is on the minus strand). VCF-style: chr13-23334733-C-T. GRCh37 (hg19) VCF-style: chr13-23908872-C-T.
Other names: c.8702G>A, p.Arg2901His (NM_001278055.2); short protein forms R3048H, R2901H.
Identifiers: ClinVar variation 1409237 (VCV001409237.3), dbSNP rs553929593, ClinGen allele CA6910659.